The following is an entry in ClinVar:

ClinVar aggregate classification (germline): Uncertain significance (1 of 4 stars; one submission).

gnomAD v4.1: 1 of 1,604,212 alleles (0.000062%); highest among the groups gnomAD compares: Non-Finnish European, 0.000085%; no homozygotes.

Submission:

Dasa
Classification: Uncertain significance. Last evaluated: 2026-04-26. Review status: criteria provided, single submitter. Criteria: DASA Assertion Criteria. Collection method: clinical testing. Allele origin: germline.
Comment: NM_001385012.1(NBEA):c.3979A>G (p.Thr1327Ala) is a missense variant that results in the substitution of threonine with alanine. This variant is rare in population databases. The currently available literature and clinical evidence are not sufficient to establish a definitive association between this variant and the reported condition. Therefore, this variant is classified as a variant of uncertain significance.

NM_001385012.1(NBEA):c.3979A>G (p.Thr1327Ala)

Gene: NBEA (neurobeachin; plus strand). Cytogenetic location: 13q13.3.
Variant type: single nucleotide variant.
Coding change: c.3979A>G on transcript NM_001385012.1 (MANE Select); coding-DNA position 3979, A replaced by G.
Protein change: p.Thr1327Ala; replaces threonine 1327 with alanine.
Molecular consequence: missense variant.
Genome position (GRCh38, 1-based): chr13:35,161,867, A>G. VCF-style: chr13-35161867-A-G. GRCh37 (hg19) VCF-style: chr13-35736004-A-G.
Other names: c.3979A>G, p.Thr1327Ala (NM_001379245.1, NM_015678.5); short protein forms T1327A.
Identifiers: ClinVar variation 4885777 (VCV004885777.2).
Genomic context (GRCh38, chr13:35,161,867, plus strand): 5'-TTTCGAGGAATGCCAATGACTGAGGAACAGCGACGCCAGTTTAGCCCAGGTCCACGGACT[A>G]CAATGTTTCGTATTCCTGAGTTTAAATGGTCTCCAATGCACCAGCGGCTTCTCACTGATT-3'
Protein context (NP_001371941.1, residues 1317-1337): RRQFSPGPRT[Thr1327Ala]MFRIPEFKWS